The following is an entry in ClinVar:

ClinVar aggregate classification (germline): Likely benign (1 of 4 stars; one submission).

Allele frequency attached by ClinVar (database versions not stated): TOPMed below 0.00001.

Submission:

Laboratory for Molecular Medicine, Mass General Brigham Personalized Medicine
Classification: Likely benign. Last evaluated: 2014-06-18. Review status: criteria provided, single submitter. Criteria: LMM Criteria. Collection method: clinical testing. Allele origin: germline. Observed: 1 variant allele.
Comment: 799+14G>C in intron 9 of MYH6: This variant is not expected to have clinical sig nificance because it is not located within the splice consensus sequence.

NM_002471.4(MYH6):c.799+14G>C

Gene: MYH6 (myosin heavy chain 6; minus strand). Cytogenetic location: 14q11.2.
Variant type: single nucleotide variant.
Coding change: c.799+14G>C on transcript NM_002471.4 (MANE Select); 14 bases into the intron after coding-DNA position 799, G replaced by C.
Molecular consequence: intron variant.
Genome position (GRCh38, 1-based): chr14:23,403,701, C>G on the plus strand (G>C on the coding strand, the complement: MYH6 is on the minus strand). VCF-style: chr14-23403701-C-G. GRCh37 (hg19) VCF-style: chr14-23872910-C-G.
Identifiers: ClinVar variation 179804 (VCV000179804.4), dbSNP rs727505139, ClinGen allele CA185172.